The following is an entry in ClinVar:

ClinVar aggregate classification (germline): Pathogenic (1 of 4 stars; one submission).

Conditions:
H syndrome. Also called: HISTIOCYTOSIS AND LYMPHADENOPATHY WITH OR WITHOUT CUTANEOUS, CARDIAC, AND/OR ENDOCRINE FEATURES, JOINT CONTRACTURES, AND/OR DEAFNESS; HYPERPIGMENTATION, CUTANEOUS, WITH HYPERTRICHOSIS, HEPATOSPLENOMEGALY, HEART ANOMALIES, AND HYPOGONADISM WITH OR WITHOUT HEARING LOSS; PIGMENTED HYPERTRICHOSIS WITH INSULIN-DEPENDENT DIABETES MELLITUS; ROSAI-DORFMAN DISEASE, FAMILIAL; SINUS HISTIOCYTOSIS AND MASSIVE LYMPHADENOPATHY; Hyperpigmentation, Cutaneous, with Hypertrichosis, Hepatosplenomegaly, Heart Anomalies, Hearing Loss, and Hypogonadism. Identifiers: Orphanet 168569, MedGen C1864445, MONDO:0011273, OMIM 602782.

Submission:

Labcorp Genetics (formerly Invitae), Labcorp
Classification: Pathogenic for H syndrome. Last evaluated: 2022-09-01. Review status: criteria provided, single submitter. Criteria: Invitae Variant Classification Sherloc (09022015). Collection method: clinical testing. Allele origin: germline.
Comment: This variant is not present in population databases (gnomAD no frequency). For these reasons, this variant has been classified as Pathogenic. This variant disrupts a region of the SLC29A3 protein in which other variant(s) (p.Glu444*) have been determined to be pathogenic (PMID: 17461801, 19336477, 20595384, 28554179). This suggests that this is a clinically significant region of the protein, and that variants that disrupt it are likely to be disease-causing. ClinVar contains an entry for this variant (Variation ID: 1354691). This variant has not been reported in the literature in individuals affected with SLC29A3-related conditions. This sequence change creates a premature translational stop signal (p.Ile322Serfs*83) in the SLC29A3 gene. While this is not anticipated to result in nonsense mediated decay, it is expected to disrupt the last 154 amino acid(s) of the SLC29A3 protein.

Literature cited by the submitters: PubMed 17461801; PubMed 19336477; PubMed 20595384; PubMed 28554179.

NM_018344.6(SLC29A3):c.963del (p.Ile322fs)

Gene: SLC29A3 (solute carrier family 29 member 3; plus strand). Cytogenetic location: 10q22.1.
Variant type: Deletion.
Coding change: c.963del on transcript NM_018344.6 (MANE Select); coding-DNA position 963, one base deleted (C; older notation c.963delC).
Protein change: p.Ile322fs; shifts the reading frame from isoleucine 322.
Molecular consequence: frameshift variant. On other transcripts: 3 prime UTR variant (1), non-coding transcript variant (2).
Genome position (GRCh38, 1-based): chr10:71,362,143, C deleted. VCF-style (leftmost placement, unchanged base first): chr10-71362142-TC-T. GRCh37 (hg19) VCF-style: chr10-73121899-TC-T.
Other names: c.*192del (NM_001174098.2); c.729del, p.Ile244fs (NM_001363518.2); short protein forms I244fs, I322fs.
Identifiers: ClinVar variation 1354691 (VCV001354691.8), dbSNP rs2131851477, ClinGen allele CA2573145498.